The following is an entry in ClinVar:

GRCh37/hg19 22q11.22(chr22:22255329-23321856)

Genes: GGTLC2 (gamma-glutamyltransferase light chain 2; plus strand), IGLC1 (immunoglobulin lambda constant 1; plus strand), IGLL5 (immunoglobulin lambda like polypeptide 5; plus strand), PPM1F (protein phosphatase, Mg2+/Mn2+ dependent 1F; minus strand), PPM1F-AS1 (PPM1F antisense RNA 1; plus strand) and 5 more. Cytogenetic location: 22q11.22.
Variant type: copy number gain.
Identifiers: ClinVar variation 625624 (VCV000625624.1).

ClinVar aggregate classification (germline): Pathogenic (1 of 4 stars; one submission).

Submission:

Baylor Genetics
Classification: Pathogenic. Last evaluated: 2018-11-01. Review status: criteria provided, single submitter. Criteria: ACMG CNV Guidelines, 2011. Collection method: clinical testing. Allele origin: maternal. Observed: 1 variant allele.